The following is an entry in ClinVar:

ClinVar aggregate classification (germline): Uncertain significance (1 of 4 stars; one submission).

Conditions:
Ehlers-Danlos syndrome, kyphoscoliotic type 1 (EDSKSCL1). Also called: EHLERS-DANLOS SYNDROME, OCULAR-SCOLIOTIC TYPE; EHLERS-DANLOS SYNDROME, TYPE VIA; PLOD1-Related Kyphoscoliotic Ehlers-Danlos Syndrome; Ehlers-Danlos syndrome, hydroxylysine-deficient. Identifiers: Orphanet 1900, MedGen C0268342, MONDO:0016002, OMIM 225400. Disease mechanism: loss of function.

Allele frequency attached by ClinVar (database versions not stated): TOPMed 0.00001.

Submission:

Center for Genomics, Ann and Robert H. Lurie Children's Hospital of Chicago
Classification: Uncertain significance for Ehlers-Danlos syndrome, kyphoscoliotic type 1. Last evaluated: 2021-03-30. Review status: criteria provided, single submitter. Criteria: ACMG Guidelines, 2015. Collection method: clinical testing. Allele origin: germline.
Comment: PLOD1 NM_000302.3 exon 3 p.Gly73Val (c.218G>T): This variant has not been reported in the literature and is not present in large control databases. Evolutionary conservation and computational predictive tools suggest that this variant may impact the protein. In summary, data on this variant is insufficient for disease classification. Therefore, the clinical significance of this variant is uncertain.

NM_000302.4(PLOD1):c.218G>T (p.Gly73Val)

Gene: PLOD1 (procollagen-lysine,2-oxoglutarate 5-dioxygenase 1; plus strand). Cytogenetic location: 1p36.22.
Variant type: single nucleotide variant.
Coding change: c.218G>T on transcript NM_000302.4 (MANE Select); coding-DNA position 218, G replaced by T.
Protein change: p.Gly73Val; replaces glycine 73 with valine.
Molecular consequence: missense variant.
Genome position (GRCh38, 1-based): chr1:11,949,822, G>T. VCF-style: chr1-11949822-G-T. GRCh37 (hg19) VCF-style: chr1-12009879-G-T.
Other names: c.359G>T, p.Gly120Val (NM_001316320.2); short protein forms G120V, G73V.
Identifiers: ClinVar variation 992541 (VCV000992541.3), dbSNP rs1034357016, ClinGen allele CA17998850.